The following is an entry in ClinVar:

ClinVar aggregate classification (germline): Uncertain significance (1 of 4 stars; one submission).

Conditions:
Alkaptonuria (AKU). Also called: HOMOGENTISIC ACID OXIDASE DEFICIENCY; Alcaptonuria; Homogentisic acidura; Alkaptonuric ochronosis. Identifiers: Orphanet 56, MedGen C0002066, MONDO:0008753, OMIM 203500.

Submission:

Kasturba Medical College, Manipal, Kasturba Medical College, Manipal, Manipal Academy of Higher Education, Manipal, India
Classification: Uncertain significance for Alkaptonuria. Last evaluated: 2025-11-03. Review status: criteria provided, single submitter. Criteria: ACMG Guidelines, 2015. Collection method: research. Allele origin: germline. Inheritance: Autosomal recessive inheritance. Affected: yes.
Comment: This variant is absent in our in-house data of 3851 exomes and in gnomAD database (v4.1.0). In silico prediction tools (CADD_phred, Revel) are consistent in predicting the variant to be damaging the HGD protein function.

NM_000187.4(HGD):c.887C>A (p.Ser296Tyr)

Gene: HGD (homogentisate 1,2-dioxygenase; minus strand). Cytogenetic location: 3q13.33.
Variant type: single nucleotide variant.
Coding change: c.887C>A on transcript NM_000187.4 (MANE Select); coding-DNA position 887, C replaced by A.
Protein change: p.Ser296Tyr; replaces serine 296 with tyrosine.
Molecular consequence: missense variant.
Genome position (GRCh38, 1-based): chr3:120,638,574, G>T on the plus strand (C>A on the coding strand, the complement: HGD is on the minus strand). VCF-style: chr3-120638574-G-T. GRCh37 (hg19) VCF-style: chr3-120357421-G-T.
Other names: short protein forms S296Y.
Identifiers: ClinVar variation 4526657 (VCV004526657.1).
Genomic context (GRCh38, chr3:120,638,574, plus strand): 5'-ACAAAATCAGCAATGGCCACTCCAGGGCGGACAGACTTAGCAGTCAATACTGTGAAAATG[G>T]ATGGGTCCTGTGAACACACAAGGAGAGACTGAACGCATGATGCAAGGGAAGTGACTGGAC-3'
Protein context (NP_000178.2, residues 286-306): NSVAFDHADP[Ser296Tyr]IFTVLTAKSV